The following is an entry in ClinVar:

ClinVar aggregate classification (germline): Likely pathogenic (1 of 4 stars; one submission).

Conditions:
Charcot-Marie-Tooth disease axonal type 2T. Identifiers: Orphanet 443950, MedGen C4015635, OMIM 617017, MONDO:0014866.

Submission:

Center for Human Genetics and Genomic Medicine, Uniklinik Rwth Aachen
Classification: Likely pathogenic for Charcot-Marie-Tooth disease axonal type 2T. Last evaluated: 2026-03-26. Review status: criteria provided, single submitter. Criteria: ACMG Guidelines, 2015. Collection method: clinical testing. Allele origin: unknown. Affected: yes. Observed: 1 variant allele, 1 heterozygote.
Comment: Truncating variants in MME are considered to be pathogenic for autosomal recessive inheritance and as predisposing factors for a late-onset autosomal dominant CMT. Absent from public databases. PVS1, PM2_sup

NM_007289.4(MME):c.785dup (p.Leu262fs)

Gene: MME (membrane metalloendopeptidase; plus strand). Cytogenetic location: 3q25.2.
Variant type: Duplication.
Coding change: c.785dup on transcript NM_007289.4 (MANE Select); coding-DNA position 785, one base duplicated (T; older notation c.785dupT).
Protein change: p.Leu262fs; shifts the reading frame from leucine 262.
Molecular consequence: frameshift variant.
Genome position (GRCh38, 1-based): chr3:155,138,166, T duplicated; the last of 2 consecutive T bases (chr3:155,138,165-155,138,166); duplicating either gives the same sequence. VCF-style (leftmost placement, unchanged base first): chr3-155138164-A-AT. GRCh37 (hg19) VCF-style: chr3-154855953-A-AT.
Other names: c.785dup, p.Leu262fs (NM_000902.5, NM_001354642.2, NM_001354643.1 and 2 more transcripts); short protein forms L262fs.
Identifiers: ClinVar variation 4820248 (VCV004820248.1).